The following is an entry in ClinVar:

NM_001040272.6(ADAMTSL1):c.281C>T (p.Ser94Leu)

Gene: ADAMTSL1 (ADAMTS like 1; plus strand). Cytogenetic location: 9p22.1.
Variant type: single nucleotide variant.
Coding change: c.281C>T on transcript NM_001040272.6 (MANE Select); coding-DNA position 281, C replaced by T.
Protein change: p.Ser94Leu; replaces serine 94 with leucine.
Molecular consequence: missense variant.
Genome position (GRCh38, 1-based): chr9:18,574,073, C>T. VCF-style: chr9-18574073-C-T. GRCh37 (hg19) VCF-style: chr9-18574071-C-T.
Other names: c.281C>T, p.Ser94Leu (NM_052866.5); short protein forms S94L.
Identifiers: ClinVar variation 2575899 (VCV002575899.2), dbSNP rs190050504, ClinGen allele CA4998599.

ClinVar aggregate classification (germline): Uncertain significance (1 of 4 stars; one submission).

Conditions:
Orofacial cleft 1 (OFC1). Also called: Nonsyndromic Cleft Lip/Palate; CLEFT LIP WITH OR WITHOUT CLEFT PALATE, NONSYNDROMIC, 1; OROFACIAL CLEFT, NONSYNDROMIC. Identifiers: MedGen C1861537, MeSH C566121, MONDO:0007335, OMIM 119530.

Allele frequency attached by ClinVar (database versions not stated): gnomAD exomes 0.00008; ExAC 0.00010; 1000 Genomes Project 0.00060; 1000 Genomes Project 30x 0.00062; TOPMed 0.00078.
gnomAD v4.1: 245 of 1,614,068 alleles (0.015%); highest among the groups gnomAD compares: Admixed American, 0.35%; 1 homozygote.

Submission:

Grupo de Genetica Humana, Facultad de Medicina - Universidad de La Sabana
Classification: Uncertain significance for Orofacial cleft 1. Last evaluated: 2022-11-22. Review status: criteria provided, single submitter. Criteria: ACMG Guidelines, 2015. Collection method: research. Allele origin: germline. Affected: yes and no. Observed: 4 variant alleles.
Comment: This variant affects ADAMTSL1, a gene whose malfunction has been associated with many craniofacial defects, such as brachycephaly, microcephaly, prominent cupid’s bow, short philtrum, wide and flat nasal bridge and prominent mandible.

Literature cited by the submitters: DOI:10.1002/humu.23299.